The following is an entry in ClinVar:

NM_030957.4(ADAMTS10):c.2423T>G (p.Leu808Arg)

Gene: ADAMTS10 (ADAM metallopeptidase with thrombospondin type 1 motif 10; minus strand). Cytogenetic location: 19p13.2.
Variant type: single nucleotide variant.
Coding change: c.2423T>G on transcript NM_030957.4 (MANE Select); coding-DNA position 2423, T replaced by G.
Protein change: p.Leu808Arg; replaces leucine 808 with arginine.
Molecular consequence: missense variant.
Genome position (GRCh38, 1-based): chr19:8,586,451, A>C on the plus strand (T>G on the coding strand, the complement: ADAMTS10 is on the minus strand). VCF-style: chr19-8586451-A-C. GRCh37 (hg19) VCF-style: chr19-8651335-A-C.
Other names: p.Leu808Arg; c.884T>G, p.Leu295Arg (NM_001282352.2); short protein forms L808R, L295R.
Identifiers: ClinVar variation 330585 (VCV000330585.18), dbSNP rs10420313, ClinGen allele CA9160099.

ClinVar aggregate classification (germline): Benign/Likely benign. Review status: criteria provided, multiple submitters, no conflicts (2 of 4 stars). 5 submissions from 5 submitters: Benign (3); Likely benign (2). Last evaluated 2026-01-29.

Conditions:
Weill-Marchesani syndrome. Also called: WM Syndrome; Mesodermal dysmorphodystrophy congenital. Identifiers: Orphanet 3449, MedGen C0265313, MONDO:0018096.

Allele frequency attached by ClinVar (database versions not stated): gnomAD exomes 0.00293 and 0.00744; ExAC 0.00879; gnomAD 0.02761 and 0.02947; ESP Exome Variant Server 0.03060; TOPMed 0.03171; 1000 Genomes Project 0.03235; 1000 Genomes Project 30x 0.03467.
gnomAD v4.1: 8,700 of 1,613,800 alleles (0.54%); highest among the groups gnomAD compares: African/African-American, 9.4%; 367 homozygotes.

Submissions (5):

Labcorp Genetics (formerly Invitae), Labcorp
Classification: Benign. Last evaluated: 2026-01-29. Review status: criteria provided, single submitter. Criteria: Invitae Variant Classification Sherloc (09022015). Collection method: clinical testing. Allele origin: germline.

Mayo Clinic Laboratories, Mayo Clinic
Classification: Benign. Last evaluated: 2023-03-12. Review status: criteria provided, single submitter. Criteria: ACMG Guidelines, 2015. Collection method: clinical testing. Allele origin: germline. Observed: 10 variant alleles.

GeneDx
Classification: Benign. Last evaluated: 2019-01-16. Review status: criteria provided, single submitter. Criteria: GeneDx Variant Classification Process June 2021. Collection method: clinical testing. Allele origin: germline. Affected: yes.

Illumina Laboratory Services, Illumina
Classification: Likely benign for Weill-Marchesani syndrome. Last evaluated: 2018-01-15. Review status: criteria provided, single submitter. Criteria: ICSL Variant Classification Criteria 13 December 2019. Collection method: clinical testing. Allele origin: germline.
Comment: This variant was observed as part of a predisposition screen in an ostensibly healthy population. A literature search was performed for the gene, cDNA change, and amino acid change (where applicable). Publications were found based on this search. The evidence from the literature, in combination with allele frequency data from public databases where available, was sufficient to determine this variant is unlikely to cause disease. Therefore, this variant is classified as likely benign.

Breakthrough Genomics
Classification: Likely benign. Review status: criteria provided, single submitter. Criteria: ACMG Guidelines, 2015. Collection method: not provided. Allele origin: germline. Inheritance: Autosomal recessive inheritance. Affected: yes.

Literature cited by the submitters: PubMed 19836009 (cited by Illumina Laboratory Services, Illumina).